The following is an entry in ClinVar:

ClinVar aggregate classification (germline): Uncertain significance (1 of 4 stars; one submission).

Allele frequency attached by ClinVar (database versions not stated): gnomAD exomes below 0.00001.
gnomAD v4.1: 2 of 1,613,656 alleles (0.00012%); highest among the groups gnomAD compares: African/African-American, 0.0013%; no homozygotes.

Submission:

Labcorp Genetics (formerly Invitae), Labcorp
Classification: Uncertain significance. Last evaluated: 2024-03-11. Review status: criteria provided, single submitter. Criteria: Invitae Variant Classification Sherloc (09022015). Collection method: clinical testing. Allele origin: germline.
Comment: This sequence change falls in intron 2 of the ARMC9 gene. It does not directly change the encoded amino acid sequence of the ARMC9 protein. It affects a nucleotide within the consensus splice site. This variant is present in population databases (no rsID available, gnomAD 0.007%). This variant has not been reported in the literature in individuals affected with ARMC9-related conditions. ClinVar contains an entry for this variant (Variation ID: 2113480). Variants that disrupt the consensus splice site are a relatively common cause of aberrant splicing (PMID: 17576681, 9536098). Algorithms developed to predict the effect of sequence changes on RNA splicing suggest that this variant is not likely to affect RNA splicing. In summary, the available evidence is currently insufficient to determine the role of this variant in disease. Therefore, it has been classified as a Variant of Uncertain Significance.

Literature cited by the submitters: PubMed 17576681; PubMed 9536098.

NM_001352754.2(ARMC9):c.178-3C>T

Gene: ARMC9 (armadillo repeat containing 9; plus strand). Cytogenetic location: 2q37.1.
Variant type: single nucleotide variant.
Coding change: c.178-3C>T on transcript NM_001352754.2 (MANE Select); 3 bases into the intron before coding-DNA position 178, C replaced by T.
Molecular consequence: intron variant.
Genome position (GRCh38, 1-based): chr2:231,214,828, C>T. VCF-style: chr2-231214828-C-T. GRCh37 (hg19) VCF-style: chr2-232079541-C-T.
Other names: c.178-3C>T (NM_001271466.4, NM_001352755.2, NM_001352756.2 and 5 more transcripts).
Identifiers: ClinVar variation 2113480 (VCV002113480.4), dbSNP rs1356971637, ClinGen allele CA539945703.